The following is an entry in ClinVar:

ClinVar aggregate classification (germline): Pathogenic (1 of 4 stars; one submission).

Conditions:
Ataxia-telangiectasia syndrome (AT). Also called: ATAXIA-TELANGIECTASIA, COMPLEMENTATION GROUP A; ATAXIA-TELANGIECTASIA, FRESNO VARIANT; Ataxia-telangiectasia; Ataxia-telangiectasia, complementation group D; Ataxia-telangiectasia, complementation group E; Ataxia telangiectasia (A-T). Identifiers: Orphanet 100, MedGen C0004135, MONDO:0008840, OMIM 208900.

Submission:

Labcorp Genetics (formerly Invitae), Labcorp
Classification: Pathogenic for Ataxia-telangiectasia syndrome. Last evaluated: 2021-01-16. Review status: criteria provided, single submitter. Criteria: Invitae Variant Classification Sherloc (09022015). Collection method: clinical testing. Allele origin: germline.
Comment: This variant has not been reported in the literature in individuals with ATM-related conditions. For these reasons, this variant has been classified as Pathogenic. This variant is not present in population databases (ExAC no frequency). This sequence change creates a premature translational stop signal (p.Tyr1442*) in the ATM gene. It is expected to result in an absent or disrupted protein product. Loss-of-function variants in ATM are known to be pathogenic (PMID: 23807571, 25614872).

Literature cited by the submitters: PubMed 23807571; PubMed 25614872.

NM_000051.4(ATM):c.4325dup (p.Tyr1442Ter)

Gene: ATM (ATM serine/threonine kinase; plus strand). Cytogenetic location: 11q22.3.
Variant type: Duplication.
Coding change: c.4325dup on transcript NM_000051.4 (MANE Select); coding-DNA position 4325, one base duplicated (A; older notation c.4325dupA).
Protein change: p.Tyr1442Ter; replaces tyrosine 1442 with a stop codon.
Molecular consequence: nonsense.
Genome position (GRCh38, 1-based): chr11:108,289,690, A duplicated. VCF-style (leftmost placement, unchanged base first): chr11-108289689-T-TA. GRCh37 (hg19) VCF-style: chr11-108160416-T-TA.
Other names: c.4325dup, p.Tyr1442Ter (NM_001351834.2); short protein forms Y1442*.
Identifiers: ClinVar variation 1362770 (VCV001362770.6), dbSNP rs2135762072, ClinGen allele CA2573146590.
Genomic context (GRCh38, chr11:108,289,689, plus strand): 5'-ATATGTGAGCAAGCAGCTGAAACAAATAATGTTTATAAGAAGCACAGAATTCTTAAAATA[T>TA]ATCACCTGTTTGTTAGTTTATTACTGAAAGATATAAAAAGTGGCTTAGGAGGAGCTTGGG-3'